The following is an entry in ClinVar:

ClinVar aggregate classification (germline): Benign. Review status: criteria provided, single submitter (1 of 4 stars). 2 submissions from 2 submitters: Benign (1). 1 of the submissions does not count toward it. Last evaluated 2025-10-13.

Conditions:
ITSN2-related disorder. Also called: ITSN2-related condition.

Allele frequency attached by ClinVar (database versions not stated): gnomAD exomes 0.00010 and 0.00032; ExAC 0.00053; ESP Exome Variant Server 0.00077; 1000 Genomes Project 30x 0.00078; 1000 Genomes Project 0.00080; gnomAD 0.00093 and 0.00097; TOPMed 0.00111.
gnomAD v4.1: 281 of 1,444,226 alleles (0.019%); highest among the groups gnomAD compares: African/African-American, 0.32%; 1 homozygote.

Submissions (2):

Labcorp Genetics (formerly Invitae), Labcorp
Classification: Benign. Last evaluated: 2025-10-13. Review status: criteria provided, single submitter. Criteria: Invitae Variant Classification Sherloc (09022015). Collection method: clinical testing. Allele origin: germline.

PreventionGenetics, part of Exact Sciences
Classification: Likely benign for ITSN2-related condition. Last evaluated: 2023-07-27. Review status: no assertion criteria provided. Collection method: clinical testing. Allele origin: germline. Not counted in ClinVar's aggregate classification.
Comment: This variant is classified as likely benign based on ACMG/AMP sequence variant interpretation guidelines (Richards et al. 2015 PMID: 25741868, with internal and published modifications).

NM_006277.3(ITSN2):c.2082-5T>A

Gene: ITSN2 (intersectin 2; minus strand). Cytogenetic location: 2p23.3.
Variant type: single nucleotide variant.
Coding change: c.2082-5T>A on transcript NM_006277.3 (MANE Select); 5 bases into the intron before coding-DNA position 2082, T replaced by A.
Molecular consequence: intron variant.
Genome position (GRCh38, 1-based): chr2:24,271,946, A>T on the plus strand (T>A on the coding strand, the complement: ITSN2 is on the minus strand). VCF-style: chr2-24271946-A-T. GRCh37 (hg19) VCF-style: chr2-24494815-A-T.
Other names: c.2082-5T>A (NM_006277.2, NM_147152.3, NM_001348185.2); c.2001-5T>A (NM_001348182.2, NM_019595.4, NM_001348186.2 and 1 more transcripts); c.2040-5T>A (NM_001348181.2); c.1959-5T>A (NM_001348184.2).
Identifiers: ClinVar variation 715557 (VCV000715557.8), dbSNP rs374902759, ClinGen allele CA1551284.
Genomic context (GRCh38, chr2:24,271,946, plus strand): 5'-CTTCCTCCTTTCTAAGATTTTCTTTCCATAAGTTTTCTTTTCCTTGCTTTGCTTTCCTTT[A>T]CATAAAAGAAAAAGAGTTTGTATAATGTCCTAGAAATTTTTTACACTAAATAAAAACATA-3'